The following is an entry in ClinVar:

ClinVar aggregate classification (germline): Uncertain significance (1 of 4 stars; one submission).

Conditions:
Autosomal recessive limb-girdle muscular dystrophy type 2P. Also called: MUSCULAR DYSTROPHY-DYSTROGLYCANOPATHY, LIMB-GIRDLE, DAG1-RELATED; Limb-Girdle Muscular Dystrophy Type 9C; MUSCULAR DYSTROPHY, LIMB-GIRDLE, TYPE 2P. Identifiers: Orphanet 280333, MedGen C4511963, MONDO:0013440, OMIM 613818.
Muscular dystrophy-dystroglycanopathy (congenital with brain and eye anomalies), type A9. Also called: Muscular dystrophy-dystroglycanopathy (congenital with brain and eye anomalies), type a, 9; WALKER-WARBURG SYNDROME OR MUSCLE-EYE BRAIN DISEASE, DAG1-RELATED. Identifiers: Orphanet 370997, Orphanet 899, MedGen C4225291, MONDO:0014683, OMIM 616538.

Allele frequency attached by ClinVar (database versions not stated): ExAC 0.00001; gnomAD 0.00001 and 0.00002; gnomAD exomes 0.00001 and 0.00002; TOPMed 0.00003; 1000 Genomes Project 30x 0.00016; 1000 Genomes Project 0.00020.
gnomAD v4.1: 20 of 1,613,038 alleles (0.0012%); highest among the groups gnomAD compares: East Asian, 0.0045%; no homozygotes.

Submission:

Labcorp Genetics (formerly Invitae), Labcorp
Classification: Uncertain significance for Autosomal recessive limb-girdle muscular dystrophy type 2P; Muscular dystrophy-dystroglycanopathy (congenital with brain and eye anomalies), type A9. Last evaluated: 2022-07-19. Review status: criteria provided, single submitter. Criteria: Invitae Variant Classification Sherloc (09022015). Collection method: clinical testing. Allele origin: germline.
Comment: This sequence change replaces alanine, which is neutral and non-polar, with threonine, which is neutral and polar, at codon 682 of the DAG1 protein (p.Ala682Thr). This variant is present in population databases (rs561289962, gnomAD 0.01%). This variant has not been reported in the literature in individuals affected with DAG1-related conditions. ClinVar contains an entry for this variant (Variation ID: 652275). Algorithms developed to predict the effect of missense changes on protein structure and function (SIFT, PolyPhen-2, Align-GVGD) all suggest that this variant is likely to be tolerated. In summary, the available evidence is currently insufficient to determine the role of this variant in disease. Therefore, it has been classified as a Variant of Uncertain Significance.

NM_004393.6(DAG1):c.2044G>A (p.Ala682Thr)

Gene: DAG1 (dystroglycan 1; plus strand). Cytogenetic location: 3p21.31.
Variant type: single nucleotide variant.
Coding change: c.2044G>A on transcript NM_004393.6 (MANE Select); coding-DNA position 2044, G replaced by A.
Protein change: p.Ala682Thr; replaces alanine 682 with threonine.
Molecular consequence: missense variant.
Genome position (GRCh38, 1-based): chr3:49,532,555, G>A. VCF-style: chr3-49532555-G-A. GRCh37 (hg19) VCF-style: chr3-49569988-G-A.
Other names: c.2044G>A, p.Ala682Thr (NM_001165928.4, NM_001177634.3, NM_001177635.3 and 9 more transcripts); short protein forms A682T.
Identifiers: ClinVar variation 652275 (VCV000652275.5), dbSNP rs561289962, ClinGen allele CA2399199.